The following is an entry in ClinVar:

ClinVar aggregate classification (germline): Uncertain significance (1 of 4 stars; one submission).

Conditions:
Myofibrillar myopathy 5. Also called: FILAMINOPATHY, AUTOSOMAL DOMINANT; Filaminopathy (type). Identifiers: Orphanet 171445, MedGen C1836050, MONDO:0012289, OMIM 609524.
Hypertrophic cardiomyopathy 26. Also called: Cardiomyopathy, familial hypertrophic, 26. Identifiers: Orphanet 75249, MedGen C4310749, MONDO:0014883, OMIM 617047.
Distal myopathy with posterior leg and anterior hand involvement. Also called: WILLIAMS DISTAL MYOPATHY. Identifiers: Orphanet 63273, MedGen C3279722, MONDO:0013550, OMIM 614065.

gnomAD v4.1: 1 of 1,577,104 alleles (0.000063%); highest among the groups gnomAD compares: Non-Finnish European, 0.000086%; no homozygotes.

Submission:

Labcorp Genetics (formerly Invitae), Labcorp
Classification: Uncertain significance for Distal myopathy with posterior leg and anterior hand involvement; Myofibrillar myopathy 5; Hypertrophic cardiomyopathy 26. Last evaluated: 2025-11-05. Review status: criteria provided, single submitter. Criteria: Invitae Variant Classification Sherloc (09022015). Collection method: clinical testing. Allele origin: germline.
Comment: This sequence change replaces valine, which is neutral and non-polar, with leucine, which is neutral and non-polar, at codon 231 of the FLNC protein (p.Val231Leu). The frequency data for this variant in the population databases is considered unreliable, as metrics indicate poor data quality at this position in the gnomAD database. This variant has not been reported in the literature in individuals affected with FLNC-related conditions. ClinVar contains an entry for this variant (Variation ID: 1951414). Invitae Evidence Modeling of protein sequence and biophysical properties (such as structural, functional, and spatial information, amino acid conservation, physicochemical variation, residue mobility, and thermodynamic stability) has been performed for this missense variant. However, the output from this modeling did not meet the statistical confidence thresholds required to predict the impact of this variant on FLNC protein function. In summary, the available evidence is currently insufficient to determine the role of this variant in disease. Therefore, it has been classified as a Variant of Uncertain Significance.

NM_001458.5(FLNC):c.691G>T (p.Val231Leu)

Gene: FLNC (filamin C; plus strand). Cytogenetic location: 7q32.1.
Variant type: single nucleotide variant.
Coding change: c.691G>T on transcript NM_001458.5 (MANE Select); coding-DNA position 691, G replaced by T.
Protein change: p.Val231Leu; replaces valine 231 with leucine.
Molecular consequence: missense variant.
Genome position (GRCh38, 1-based): chr7:128,837,249, G>T. VCF-style: chr7-128837249-G-T. GRCh37 (hg19) VCF-style: chr7-128477303-G-T.
Other names: c.691G>T, p.Val231Leu (NM_001127487.2); short protein forms V231L.
Identifiers: ClinVar variation 1951414 (VCV001951414.5), dbSNP rs1159154769, ClinGen allele CA369221634.
Genomic context (GRCh38, chr7:128,837,249, plus strand): 5'-CCCAACCAGCCCGTGGAGAACGCCCGGGAGGCCATGCAGCAGGCCGACGACTGGCTTGGG[G>T]TGCCCCAGGTACATGCGCAGATGGGGCAGGGGGGAAAGGGGGCAGGGGCAGAGGTTGGGT-3'
Protein context (NP_001449.3, residues 221-241): AMQQADDWLG[Val231Leu]PQVIAPEEIV